The following is an entry in ClinVar:

ClinVar aggregate classification (germline): Benign. Review status: criteria provided, multiple submitters, no conflicts (2 of 4 stars). 3 submissions from 3 submitters: Benign (2). 1 of the submissions does not count toward it. Last evaluated 2021-05-04.

Conditions:
DNAH17-related disorder. Also called: DNAH17-related condition.

Allele frequency attached by ClinVar (database versions not stated): 1000 Genomes Project 0.03095; 1000 Genomes Project 30x 0.03139; TOPMed 0.05510; ESP Exome Variant Server 0.06858.
gnomAD v4.1: 135,610 of 1,613,802 alleles (8.4%); highest among the groups gnomAD compares: Non-Finnish European, 9.8%; 6,500 homozygotes.

Submissions (3):

GeneDx
Classification: Benign. Last evaluated: 2021-05-04. Review status: criteria provided, single submitter. Criteria: GeneDx Variant Classification Process June 2021. Collection method: clinical testing. Allele origin: germline. Affected: yes.

Breakthrough Genomics
Classification: Benign. Review status: criteria provided, single submitter. Criteria: ACMG Guidelines, 2015. Collection method: not provided. Allele origin: germline. Inheritance: Autosomal recessive inheritance. Affected: yes.

PreventionGenetics, part of Exact Sciences
Classification: Benign for DNAH17-related condition. Last evaluated: 2019-10-28. Review status: no assertion criteria provided. Collection method: clinical testing. Allele origin: germline. Not counted in ClinVar's aggregate classification.
Comment: This variant is classified as benign based on ACMG/AMP sequence variant interpretation guidelines (Richards et al. 2015 PMID: 25741868, with internal and published modifications).

NM_173628.4(DNAH17):c.9502G>C (p.Val3168Leu)

Gene: DNAH17 (dynein axonemal heavy chain 17; minus strand). Cytogenetic location: 17q25.3.
Variant type: single nucleotide variant.
Coding change: c.9502G>C on transcript NM_173628.4 (MANE Select); coding-DNA position 9502, G replaced by C.
Protein change: p.Val3168Leu; replaces valine 3168 with leucine.
Molecular consequence: missense variant.
Genome position (GRCh38, 1-based): chr17:78,459,935, C>G on the plus strand (G>C on the coding strand, the complement: DNAH17 is on the minus strand). VCF-style: chr17-78459935-C-G. GRCh37 (hg19) VCF-style: chr17-76456017-C-G.
Other names: short protein forms V3168L.
Identifiers: ClinVar variation 1289164 (VCV001289164.5), dbSNP rs34438166, ClinGen allele CA8801289.